The following is an entry in ClinVar:

ClinVar aggregate classification (germline): Uncertain significance. Review status: criteria provided, multiple submitters, no conflicts (2 of 4 stars). 4 submissions from 4 submitters: Uncertain significance (4). Last evaluated 2024-07-01.

Conditions:
IGF1R-related disorder. Also called: IGF1R-related condition.

Allele frequency attached by ClinVar (database versions not stated): TOPMed 0.00006; ESP Exome Variant Server 0.00008; gnomAD 0.00010.
gnomAD v4.1: 99 of 1,614,022 alleles (0.0061%); highest among the groups gnomAD compares: East Asian, 0.011%; no homozygotes.

Submissions (4):

Labcorp Genetics (formerly Invitae), Labcorp
Classification: Uncertain significance. Last evaluated: 2024-07-01. Review status: criteria provided, single submitter. Criteria: Invitae Variant Classification Sherloc (09022015). Collection method: clinical testing. Allele origin: germline.
Comment: This sequence change replaces glycine, which is neutral and non-polar, with serine, which is neutral and polar, at codon 655 of the IGF1R protein (p.Gly655Ser). This variant is present in population databases (rs143193096, gnomAD 0.07%). This variant has not been reported in the literature in individuals affected with IGF1R-related conditions. ClinVar contains an entry for this variant (Variation ID: 199043). Advanced modeling of protein sequence and biophysical properties (such as structural, functional, and spatial information, amino acid conservation, physicochemical variation, residue mobility, and thermodynamic stability) performed at Invitae indicates that this missense variant is not expected to disrupt IGF1R protein function with a negative predictive value of 80%. In summary, the available evidence is currently insufficient to determine the role of this variant in disease. Therefore, it has been classified as a Variant of Uncertain Significance.

CeGaT Center for Human Genetics Tuebingen
Classification: Uncertain significance. Last evaluated: 2023-11-01. Review status: criteria provided, single submitter. Criteria: CeGaT Center For Human Genetics Tuebingen Variant Classification Criteria Version 2. Collection method: clinical testing. Allele origin: germline. Affected: yes. Observed: 2 variant alleles.
Comment: IGF1R: PM2, BP4

PreventionGenetics, part of Exact Sciences
Classification: Uncertain significance for IGF1R-related condition. Last evaluated: 2023-08-02. Review status: criteria provided, single submitter. Criteria: ACMG Guidelines, 2015. Collection method: clinical testing. Allele origin: germline.
Comment: The IGF1R c.1963G>A variant is predicted to result in the amino acid substitution p.Gly655Ser. To our knowledge, this variant has not been reported in the literature. This variant is reported in 0.064% of alleles in individuals of European (Finnish) descent in gnomAD. At this time, the clinical significance of this variant is uncertain due to the absence of conclusive functional and genetic evidence.

Eurofins Ntd Llc (ga)
Classification: Uncertain significance. Last evaluated: 2014-08-01. Review status: criteria provided, single submitter. Criteria: EGL Classification Definitions 2015. Collection method: clinical testing. Allele origin: germline. Observed: 2 variant alleles, 2 heterozygotes.

NM_000875.5(IGF1R):c.1963G>A (p.Gly655Ser)

Gene: IGF1R (insulin like growth factor 1 receptor; plus strand). Cytogenetic location: 15q26.3.
Variant type: single nucleotide variant.
Coding change: c.1963G>A on transcript NM_000875.5 (MANE Select); coding-DNA position 1963, G replaced by A.
Protein change: p.Gly655Ser; replaces glycine 655 with serine.
Molecular consequence: missense variant.
Genome position (GRCh38, 1-based): chr15:98,916,098, G>A. VCF-style: chr15-98916098-G-A. GRCh37 (hg19) VCF-style: chr15-99459327-G-A.
Other names: c.1963G>A, p.Gly655Ser (NM_001291858.2); c.1963G>A (NM_000875.4); short protein forms G655S.
Identifiers: ClinVar variation 199043 (VCV000199043.33), dbSNP rs143193096, ClinGen allele CA248021.